The following is an entry in ClinVar:

NM_021973.3(HAND2):c.63CGC[7] (p.Ala32_Ser33insAlaAla)

Genes: HAND2 (heart and neural crest derivatives expressed 2; minus strand), HAND2-AS1 (HAND2 antisense RNA 1; plus strand). Cytogenetic location: 4q34.1.
Variant type: Microsatellite.
Coding change: c.63CGC[7] on transcript NM_021973.3 (MANE Select); seven copies in a row of the 3-base unit CGC starting at c.63; the reference has five copies in a row; two copies, 6 bases duplicated.
Protein change: p.Ala32_Ser33insAlaAla.
Molecular consequence: inframe insertion.
Genome position (GRCh38, 1-based): chr4:173,529,213-173,529,218, GCGGCG duplicated on the plus strand (CGCCGC on the coding strand, the reverse complement: HAND2 is on the minus strand); duplicating any 6 consecutive bases within chr4:173,529,213-173,529,229 gives the same sequence; the position shown is the placement nearest the transcript's 3' end. VCF-style (leftmost placement, unchanged base first): chr4-173529212-T-TGCGGCG. GRCh37 (hg19) VCF-style: chr4-174450363-T-TGCGGCG.
Identifiers: ClinVar variation 2075933 (VCV002075933.4), dbSNP rs748679118, ClinGen allele CA110739612.

ClinVar aggregate classification (germline): Uncertain significance (1 of 4 stars; one submission).

Submission:

Labcorp Genetics (formerly Invitae), Labcorp
Classification: Uncertain significance. Last evaluated: 2024-04-29. Review status: criteria provided, single submitter. Criteria: Invitae Variant Classification Sherloc (09022015). Collection method: clinical testing. Allele origin: germline.
Comment: This variant, c.72_77dup, results in the insertion of 2 amino acid(s) of the HAND2 protein (p.Ala31_Ala32dup), but otherwise preserves the integrity of the reading frame. The frequency data for this variant in the population databases is considered unreliable, as metrics indicate poor data quality at this position in the gnomAD database. This variant has been observed in individual(s) with tetralogy of fallot (PMID: 25093829). This variant is also known as c.75_76insGCCGCC, p.A25_A26insAA. Algorithms developed to predict the effect of variants on protein structure and function are not available or were not evaluated for this variant. Experimental studies have shown that this variant affects HAND2 function (PMID: 25093829). In summary, the available evidence is currently insufficient to determine the role of this variant in disease. Therefore, it has been classified as a Variant of Uncertain Significance.

Literature cited by the submitters: PubMed 25093829.